The following is an entry in ClinVar:

ClinVar aggregate classification (germline): Likely benign. Review status: criteria provided, multiple submitters, no conflicts (2 of 4 stars). 3 submissions from 3 submitters: Likely benign (3). Last evaluated 2024-11-22.

Conditions:
Polycystic kidney disease, adult type (PKD1). Also called: POLYCYSTIC KIDNEY DISEASE, ADULT, TYPE I; Polycystic Kidney Disease 1, Autosomal Dominant; Polycystic kidney disease 1; Polycystic kidney disease 1, severe; Polycystic Kidney, Autosomal Dominant; POLYCYSTIC KIDNEY DISEASE 1 WITH OR WITHOUT POLYCYSTIC LIVER DISEASE. Identifiers: MedGen C3149841, MONDO:0008263, OMIM 173900.

Allele frequency attached by ClinVar (database versions not stated): gnomAD exomes 0.00020; TOPMed 0.00026; gnomAD 0.00027; ESP Exome Variant Server 0.00031; ExAC 0.00043.
gnomAD v4.1: 362 of 1,610,702 alleles (0.022%); highest among the groups gnomAD compares: African/African-American, 0.015%; 1 homozygote.

Submissions (3):

Blueprint Genetics
Classification: Likely benign. Last evaluated: 2024-11-22. Review status: criteria provided, single submitter. Criteria: ACMG Guidelines, 2015. Collection method: clinical testing. Allele origin: germline.

Department of Pathology and Laboratory Medicine, Sinai Health System
Classification: Likely benign for Polycystic kidney disease, adult type. Last evaluated: 2022-07-13. Review status: criteria provided, single submitter. Criteria: ACMG Guidelines, 2015. Collection method: clinical testing. Allele origin: germline. Affected: yes.

CeGaT Center for Human Genetics Tuebingen
Classification: Likely benign. Last evaluated: 2022-06-01. Review status: criteria provided, single submitter. Criteria: CeGaT Center For Human Genetics Tuebingen Variant Classification Criteria Version 2. Collection method: clinical testing. Allele origin: germline. Affected: yes. Observed: 1 variant allele.
Comment: PKD1: BP4, BP7

NM_001009944.3(PKD1):c.12570C>T (p.Ser4190=)

Gene: PKD1 (polycystin 1, transient receptor potential channel interacting; minus strand). Cytogenetic location: 16p13.3.
Variant type: single nucleotide variant.
Coding change: c.12570C>T on transcript NM_001009944.3 (MANE Select); coding-DNA position 12570, C replaced by T.
Protein change: p.Ser4190=; no amino-acid change (serine 4190 retained).
Molecular consequence: synonymous variant.
Genome position (GRCh38, 1-based): chr16:2,090,069, G>A on the plus strand (C>T on the coding strand, the complement: PKD1 is on the minus strand). VCF-style: chr16-2090069-G-A. GRCh37 (hg19) VCF-style: chr16-2140070-G-A.
Other names: c.12567C>T, p.Ser4189= (NM_000296.4).
Identifiers: ClinVar variation 2645978 (VCV002645978.26), dbSNP rs140421738, ClinGen allele CA7828534.
Genomic context (GRCh38, chr16:2,090,069, plus strand): 5'-AGGCTCACACCTTGTCCCCAGCCGGCCCAGGCTCACGCTCAGCCCATCCAGCTGGCTGGA[G>A]GAGGTGGAGGGGTGCGAGGCATCGGAGCCAGCGCTGGGTGGGGGCACATCCGGGGATACC-3'
Protein context (NP_001009944.3, residues 4180-4200): AGSDASHPST[Ser4190=]SSQLDGLSVS